The following is an entry in ClinVar:

NM_000548.5(TSC2):c.2996G>C (p.Ser999Thr)

Gene: TSC2 (TSC complex subunit 2; plus strand). Cytogenetic location: 16p13.3.
Variant type: single nucleotide variant.
Coding change: c.2996G>C on transcript NM_000548.5 (MANE Select); coding-DNA position 2996, G replaced by C.
Protein change: p.Ser999Thr; replaces serine 999 with threonine.
Molecular consequence: missense variant.
Genome position (GRCh38, 1-based): chr16:2,079,061, G>C. VCF-style: chr16-2079061-G-C. GRCh37 (hg19) VCF-style: chr16-2129062-G-C.
Other names: c.2864G>C, p.Ser955Thr (NM_001077183.3, NM_001370404.1); c.2996G>C, p.Ser999Thr (NM_001114382.3); c.2756G>C, p.Ser919Thr (NM_001318827.2); c.2720G>C, p.Ser907Thr (NM_001318829.2); c.2264G>C, p.Ser755Thr (NM_001318831.2); c.2897G>C, p.Ser966Thr (NM_001318832.2); c.2867G>C, p.Ser956Thr (NM_001363528.2, NM_001370405.1, NM_021055.3); short protein forms S907T, S955T, S755T, S919T, S956T, S966T, S999T.
Identifiers: ClinVar variation 649255 (VCV000649255.17), dbSNP rs149808366, ClinGen allele CA394283753.

ClinVar aggregate classification (germline): Conflicting classifications of pathogenicity. Review status: criteria provided, conflicting classifications (1 of 4 stars). 4 submissions from 4 submitters: Uncertain significance (3); Benign (1). Last evaluated 2025-05-05.

Conditions:
Tuberous sclerosis syndrome (TSC). Also called: Tuberous sclerosis; Tuberous Sclerosis Complex. Identifiers: Orphanet 805, MedGen C0041341, MONDO:0001734.
Hereditary cancer-predisposing syndrome. Also called: Hereditary Cancer Syndrome; Tumor predisposition; Neoplastic Syndromes, Hereditary; Hereditary neoplastic syndrome. Identifiers: Orphanet 140162, MedGen C0027672, MeSH D009386, MONDO:0015356.
Tuberous sclerosis 2 (TSC2). Identifiers: Orphanet 805, MedGen C1860707, MONDO:0013199, OMIM 613254.

Allele frequency attached by ClinVar (database versions not stated): TOPMed 0.00002.
gnomAD v4.1: 5 of 1,612,838 alleles (0.00031%); highest among the groups gnomAD compares: African/African-American, 0.0013%; no homozygotes.

Submissions (4):

Labcorp Genetics (formerly Invitae), Labcorp
Classification: Benign for Tuberous sclerosis 2. Last evaluated: 2025-05-05. Review status: criteria provided, single submitter. Criteria: Invitae Variant Classification Sherloc (09022015). Collection method: clinical testing. Allele origin: germline.

Ambry Genetics
Classification: Uncertain significance for Hereditary cancer-predisposing syndrome. Last evaluated: 2024-10-01. Review status: criteria provided, single submitter. Criteria: Ambry Variant Classification Scheme 2023. Collection method: clinical testing. Allele origin: germline.
Comment: The p.S999T variant (also known as c.2996G>C), located in coding exon 26 of the TSC2 gene, results from a G to C substitution at nucleotide position 2996. The serine at codon 999 is replaced by threonine, an amino acid with similar properties. This amino acid position is highly conserved in available vertebrate species. In addition, the in silico prediction for this alteration is inconclusive. Since supporting evidence is limited at this time, the clinical significance of this alteration remains unclear.

All of Us Research Program, National Institutes of Health
Classification: Uncertain significance for Tuberous sclerosis syndrome. Last evaluated: 2024-08-23. Review status: criteria provided, single submitter. Criteria: ACMG Guidelines, 2015. Collection method: clinical testing. Allele origin: germline. Inheritance: Autosomal dominant inheritance. Observed: 1 variant allele, 1 heterozygote.
Comment: This missense variant replaces serine with threonine at codon 999 of the TSC2 protein. Computational prediction suggests that this variant may not impact protein structure and function. To our knowledge, functional studies have not been reported for this variant. This variant has not been reported in individuals affected with TSC2-related disorders in the literature. This variant has not been identified in the general population by the Genome Aggregation Database (gnomAD). The available evidence is insufficient to determine the role of this variant in disease conclusively. Therefore, this variant is classified as a Variant of Uncertain Significance.

This study involves interpretation of variants in research participants for the purpose of population health screening. Participant phenotype was not available at the time of variant classification. Additional details can be found in publication PMID: 35346344, PMCID: PMC8962531

Genome-Nilou Lab
Classification: Uncertain significance for Tuberous sclerosis 2. Last evaluated: 2021-11-07. Review status: criteria provided, single submitter. Criteria: ACMG Guidelines, 2015. Collection method: clinical testing. Allele origin: germline. Affected: no.